The following is an entry in ClinVar:

ClinVar aggregate classification (germline): Uncertain significance (1 of 4 stars; one submission).

Conditions:
Cardiovascular phenotype. Identifiers: MedGen CN230736.

Submission:

Ambry Genetics
Classification: Uncertain significance for Cardiovascular phenotype. Last evaluated: 2024-09-17. Review status: criteria provided, single submitter. Criteria: Ambry Variant Classification Scheme 2023. Collection method: clinical testing. Allele origin: germline.
Comment: The p.G82R variant (also known as c.244G>C), located in coding exon 3 of the EPHB4 gene, results from a G to C substitution at nucleotide position 244. The glycine at codon 82 is replaced by arginine, an amino acid with dissimilar properties. This amino acid position is conserved. In addition, this alteration is predicted to be tolerated by in silico analysis. Based on the available evidence, the clinical significance of this variant remains unclear.

NM_004444.5(EPHB4):c.244G>C (p.Gly82Arg)

Gene: EPHB4 (EPH receptor B4; minus strand). Cytogenetic location: 7q22.1.
Variant type: single nucleotide variant.
Coding change: c.244G>C on transcript NM_004444.5 (MANE Select); coding-DNA position 244, G replaced by C.
Protein change: p.Gly82Arg; replaces glycine 82 with arginine.
Molecular consequence: missense variant.
Genome position (GRCh38, 1-based): chr7:100,823,811, C>G on the plus strand (G>C on the coding strand, the complement: EPHB4 is on the minus strand). VCF-style: chr7-100823811-C-G. GRCh37 (hg19) VCF-style: chr7-100421433-C-G.
Other names: short protein forms G82R.
Identifiers: ClinVar variation 3509392 (VCV003509392.1).